The following is an entry in ClinVar:

ClinVar aggregate classification (germline): Likely benign. Review status: criteria provided, multiple submitters, no conflicts (2 of 4 stars). 3 submissions from 3 submitters: Likely benign (2). 1 of the submissions does not count toward it. Last evaluated 2025-12-11.

Conditions:
DNAH1-related disorder. Also called: DNAH1-related condition.
Spermatogenic failure 18. Identifiers: MedGen C4539783, MONDO:0054615, OMIM 617576.
Ciliary dyskinesia, primary, 37 (CILD37). Also called: CILIARY DYSKINESIA, PRIMARY, 37, WITH OR WITHOUT SITUS INVERSUS. Identifiers: MedGen C4539798, MONDO:0033204, OMIM 617577.

Allele frequency attached by ClinVar (database versions not stated): gnomAD exomes 0.00020 and 0.00042; ExAC 0.00021; gnomAD 0.00027 and 0.00029; TOPMed 0.00028; ESP Exome Variant Server 0.00047.
gnomAD v4.1: 636 of 1,613,874 alleles (0.039%); highest among the groups gnomAD compares: Non-Finnish European, 0.051%; no homozygotes.

Submissions (3):

Labcorp Genetics (formerly Invitae), Labcorp
Classification: Likely benign for Ciliary dyskinesia, primary, 37; Spermatogenic failure 18. Last evaluated: 2025-12-11. Review status: criteria provided, single submitter. Criteria: Invitae Variant Classification Sherloc (09022015). Collection method: clinical testing. Allele origin: germline.

Blueprint Genetics
Classification: Likely benign. Last evaluated: 2024-10-17. Review status: criteria provided, single submitter. Criteria: ACMG Guidelines, 2015. Collection method: clinical testing. Allele origin: germline.

PreventionGenetics, part of Exact Sciences
Classification: Likely benign for DNAH1-related condition. Last evaluated: 2022-11-23. Review status: no assertion criteria provided. Collection method: clinical testing. Allele origin: germline. Not counted in ClinVar's aggregate classification.
Comment: This variant is classified as likely benign based on ACMG/AMP sequence variant interpretation guidelines (Richards et al. 2015 PMID: 25741868, with internal and published modifications).

NM_015512.5(DNAH1):c.5850G>A (p.Pro1950=)

Gene: DNAH1 (dynein axonemal heavy chain 1; plus strand). Cytogenetic location: 3p21.1.
Variant type: single nucleotide variant.
Coding change: c.5850G>A on transcript NM_015512.5 (MANE Select); coding-DNA position 5850, G replaced by A.
Protein change: p.Pro1950=; no amino-acid change (proline 1950 retained).
Molecular consequence: synonymous variant.
Genome position (GRCh38, 1-based): chr3:52,368,825, G>A. VCF-style: chr3-52368825-G-A. GRCh37 (hg19) VCF-style: chr3-52402841-G-A.
Identifiers: ClinVar variation 478467 (VCV000478467.13), dbSNP rs374690567, ClinGen allele CA2434354.